The following is an entry in ClinVar:

ClinVar aggregate classification (germline): Pathogenic (1 of 4 stars; one submission).

Allele frequency attached by ClinVar (database versions not stated): gnomAD exomes 0.00001.
gnomAD v4.1: 4 of 1,613,766 alleles (0.00025%); highest among the groups gnomAD compares: Admixed American, 0.0017%; no homozygotes.

Submission:

GeneDx
Classification: Pathogenic. Last evaluated: 2022-10-14. Review status: criteria provided, single submitter. Criteria: GeneDx Variant Classification Process June 2021. Collection method: clinical testing. Allele origin: germline. Affected: yes.
Comment: Nonsense variant predicted to result in protein truncation, as the last 2050 amino acids are lost, and other loss-of-function variants have been reported downstream in HGMD; Not observed at significant frequency in large population cohorts (gnomAD); Has not been previously published as pathogenic or benign to our knowledge

NM_002016.2(FLG):c.6034C>T (p.Gln2012Ter)

Genes: CCDST (cervical cancer associated DHX9 suppressive transcript; plus strand), FLG (filaggrin; minus strand). Cytogenetic location: 1q21.3.
Variant type: single nucleotide variant.
Coding change: c.6034C>T on transcript NM_002016.2 (MANE Select); coding-DNA position 6034, C replaced by T.
Protein change: p.Gln2012Ter; replaces glutamine 2012 with a stop codon.
Molecular consequence: nonsense.
Genome position (GRCh38, 1-based): chr1:152,308,852, G>A on the plus strand (C>T on the coding strand, the complement: FLG is on the minus strand). VCF-style: chr1-152308852-G-A. GRCh37 (hg19) VCF-style: chr1-152281328-G-A.
Other names: short protein forms Q2012*.
Identifiers: ClinVar variation 2499393 (VCV002499393.1), dbSNP rs2525174588, ClinGen allele CA342058495.
Genomic context (GRCh38, chr1:152,308,852, plus strand): 5'-TGACTGCAGATGAAGCTTGTCCATGCCCAATGCCTGAGTGTCTGGAGCTGTCTGCTGACT[G>A]GAGCTGGTGGTGGGATCCATGTCTTTCTCCTGCACTTGATCTTGCCTGTTCATGGGATGA-3'